The following is an entry in ClinVar:

NM_172201.2(KCNE2):c.311A>G (p.Glu104Gly)

Genes: KCNE2 (potassium voltage-gated channel subfamily E regulatory subunit 2; plus strand), LOC105372791 (uncharacterized LOC105372791; minus strand). Cytogenetic location: 21q22.11.
Variant type: single nucleotide variant.
Coding change: c.311A>G on transcript NM_172201.2 (MANE Select); coding-DNA position 311, A replaced by G.
Protein change: p.Glu104Gly; replaces glutamic acid 104 with glycine.
Molecular consequence: missense variant. On other transcripts: non-coding transcript variant (2).
Genome position (GRCh38, 1-based): chr21:34,370,789, A>G. VCF-style: chr21-34370789-A-G. GRCh37 (hg19) VCF-style: chr21-35743088-A-G.
Other names: short protein forms E104G.
Identifiers: ClinVar variation 4090233 (VCV004090233.1).

ClinVar aggregate classification (germline): Uncertain significance (1 of 4 stars; one submission).

Conditions:
Cardiovascular phenotype. Identifiers: MedGen CN230736.

gnomAD v4.1: 4 of 1,614,232 alleles (0.00025%); highest among the groups gnomAD compares: African/African-American, 0.0013%; no homozygotes.

Submission:

Ambry Genetics
Classification: Uncertain significance for Cardiovascular phenotype. Last evaluated: 2025-09-12. Review status: criteria provided, single submitter. Criteria: Ambry Variant Classification Scheme 2023. Collection method: clinical testing. Allele origin: germline.
Comment: The p.E104G variant (also known as c.311A>G), located in coding exon 1 of the KCNE2 gene, results from an A to G substitution at nucleotide position 311. The glutamic acid at codon 104 is replaced by glycine, an amino acid with similar properties. This amino acid position is conserved. In addition, the in silico prediction for this alteration is inconclusive. Based on the available evidence, the clinical significance of this variant remains unclear.